The following is an entry in ClinVar:

NM_001004334.4(GPR179):c.3340C>T (p.Gln1114Ter)

Gene: GPR179 (G protein-coupled receptor 179; minus strand). Cytogenetic location: 17q12.
Variant type: single nucleotide variant.
Coding change: c.3340C>T on transcript NM_001004334.4 (MANE Select); coding-DNA position 3340, C replaced by T.
Protein change: p.Gln1114Ter; replaces glutamine 1114 with a stop codon.
Molecular consequence: nonsense.
Genome position (GRCh38, 1-based): chr17:38,330,229, G>A on the plus strand (C>T on the coding strand, the complement: GPR179 is on the minus strand). VCF-style: chr17-38330229-G-A. GRCh37 (hg19) VCF-style: chr17-36486112-G-A.
Other names: short protein forms Q1114*.
Identifiers: ClinVar variation 1366536 (VCV001366536.6), dbSNP rs1339144919, ClinGen allele CA398880013.

ClinVar aggregate classification (germline): Uncertain significance (1 of 4 stars; one submission).

Allele frequency attached by ClinVar (database versions not stated): TOPMed below 0.00001.

Submission:

Labcorp Genetics (formerly Invitae), Labcorp
Classification: Uncertain significance. Last evaluated: 2022-08-23. Review status: criteria provided, single submitter. Criteria: Invitae Variant Classification Sherloc (09022015). Collection method: clinical testing. Allele origin: germline.
Comment: In summary, the available evidence is currently insufficient to determine the role of this variant in disease. Therefore, it has been classified as a Variant of Uncertain Significance. Experimental studies and prediction algorithms are not available or were not evaluated, and the functional significance of this variant is currently unknown. ClinVar contains an entry for this variant (Variation ID: 1366536). This variant has not been reported in the literature in individuals affected with GPR179-related conditions. This variant is not present in population databases (gnomAD no frequency). This sequence change creates a premature translational stop signal (p.Gln1114*) in the GPR179 gene. While this is not anticipated to result in nonsense mediated decay, it is expected to disrupt the last 1254 amino acid(s) of the GPR179 protein.